The following is an entry in ClinVar:

ClinVar aggregate classification (germline): Benign (1 of 4 stars; one submission).

Allele frequency attached by ClinVar (database versions not stated): gnomAD exomes below 0.00001.

Submission:

GeneDx
Classification: Benign. Last evaluated: 2013-04-01. Review status: criteria provided, single submitter. Criteria: GeneDx Variant Classification (06012015). Collection method: clinical testing. Allele origin: germline. Affected: yes.
Comment: This variant is considered likely benign or benign based on one or more of the following criteria: it is a conservative change, it occurs at a poorly conserved position in the protein, it is predicted to be benign by multiple in silico algorithms, and/or has population frequency not consistent with disease.

NM_024422.6(DSC2):c.-45A>C

Genes: DSC2 (desmocollin 2; minus strand), DSCAS (DSC1/DSC2 antisense RNA; plus strand). Cytogenetic location: 18q12.1.
Variant type: single nucleotide variant.
Coding change: c.-45A>C on transcript NM_024422.6 (MANE Select); 45 bases upstream of the start codon, A replaced by C.
Molecular consequence: 5 prime UTR variant.
Genome position (GRCh38, 1-based): chr18:31,102,016, T>G on the plus strand (A>C on the coding strand, the complement: DSC2 is on the minus strand). VCF-style: chr18-31102016-T-G. GRCh37 (hg19) VCF-style: chr18-28681979-T-G.
Other names: c.-45A>C (NM_004949.5).
Identifiers: ClinVar variation 137159 (VCV000137159.1), dbSNP rs587780924, ClinGen allele CA022844.